The following is an entry in ClinVar:

ClinVar aggregate classification (germline): Likely pathogenic. Review status: reviewed by expert panel (3 of 4 stars). 2 submissions from 2 submitters: Likely pathogenic (1). 1 of the submissions does not count toward it. Last evaluated 2023-10-13.

Conditions:
CDKL5 disorder. Identifiers: MedGen CN296942, MONDO:0100039.
Angelman syndrome-like. Identifiers: MedGen CN128785.
Developmental and epileptic encephalopathy, 2 (DEE2). Also called: INFANTILE SPASM SYNDROME, X-LINKED 2; CDKL5 deficiency disorder. Identifiers: Orphanet 1934, Orphanet 3451, Orphanet 505652, MedGen C4750718, MONDO:0010396, OMIM 300672.

Submissions (2):

ClinGen Rett and Angelman-like Disorders Variant Curation Expert Panel
Classification: Likely pathogenic for CDKL5 disorder. Last evaluated: 2023-10-13. Review status: reviewed by expert panel. Criteria: ClinGen RettAS ACMG Specifications CDKL5 V3.0.0. Collection method: curation. Allele origin: germline. Inheritance: X-linked inheritance.
Comment: The p.Ala157Pro variant in CDKL5 has been reported as a de novo occurrence (biological parentage confirmed) in an individual with clinical features of CDKL5 disorder (internal database - Invitae) (PS2). A pathogenic missense variant (p.Ala157Val) has been previously identified within this codon which indicates that this residue is critical to the function of the protein (ClinVar - ClinGen Rett and Angelman-like Disorders Variant Curation Expert Panel) (PM5). The p.Ala157Pro variant in CDKL5 is absent from gnomAD (PM2_Supporting). Computational prediction analysis tools suggests a deleterious impact; however, this information does not predict clinical significance on its own (PP3). In summary, the p.Ala157Pro variant in CDKL5 is classified as Likely Pathogenic for CDKL5 disorder based on the ACMG/AMP criteria (PS2, PM5, PM2_Supporting, PP3).

Labcorp Genetics (formerly Invitae), Labcorp
Classification: Pathogenic for Developmental and epileptic encephalopathy, 2; Angelman syndrome-like. Last evaluated: 2025-01-15. Review status: criteria provided, single submitter. Criteria: Invitae Variant Classification Sherloc (09022015). Collection method: clinical testing. Allele origin: germline. Not counted in ClinVar's aggregate classification.
Comment: This sequence change replaces alanine, which is neutral and non-polar, with proline, which is neutral and non-polar, at codon 157 of the CDKL5 protein (p.Ala157Pro). This variant is not present in population databases (gnomAD no frequency). This missense change has been observed in individual(s) with clinical features of CDKL5-related conditions (internal data). In at least one individual the variant was observed to be de novo. ClinVar contains an entry for this variant (Variation ID: 1387019). Invitae Evidence Modeling of protein sequence and biophysical properties (such as structural, functional, and spatial information, amino acid conservation, physicochemical variation, residue mobility, and thermodynamic stability) indicates that this missense variant is expected to disrupt CDKL5 protein function with a positive predictive value of 95%. For these reasons, this variant has been classified as Pathogenic.

NM_001323289.2(CDKL5):c.469G>C (p.Ala157Pro)

Gene: CDKL5 (cyclin dependent kinase like 5; plus strand). Cytogenetic location: Xp22.13.
Variant type: single nucleotide variant.
Coding change: c.469G>C on transcript NM_001323289.2 (MANE Select); coding-DNA position 469, G replaced by C.
Protein change: p.Ala157Pro; replaces alanine 157 with proline.
Molecular consequence: missense variant.
Genome position (GRCh38, 1-based): chrX:18,584,268, G>C. VCF-style: chrX-18584268-G-C. GRCh37 (hg19) VCF-style: chrX-18602388-G-C.
Other names: NM_001323289.2(CDKL5):c.469G>C; p.Ala157Pro; c.469G>C, p.Ala157Pro (NM_001037343.2, NM_003159.3); short protein forms A157P.
Identifiers: ClinVar variation 1387019 (VCV001387019.7), dbSNP rs2147145500, ClinGen allele CA412352120.